The following is an entry in ClinVar:

NM_001048174.2(MUTYH):c.879del (p.Ser294fs)

Gene: MUTYH (mutY DNA glycosylase; minus strand). Cytogenetic location: 1p34.1.
Variant type: Deletion.
Coding change: c.879del on transcript NM_001048174.2 (MANE Select); coding-DNA position 879, one base deleted (G; older notation c.879delG).
Protein change: p.Ser294fs; shifts the reading frame from serine 294.
Molecular consequence: frameshift variant. On other transcripts: non-coding transcript variant (2).
Genome position (GRCh38, 1-based): chr1:45,332,057, C deleted on the plus strand (G on the coding strand, the reverse complement: MUTYH is on the minus strand); the first of 3 consecutive C bases (chr1:45,332,057-45,332,059); deleting any one gives the same sequence. VCF-style (leftmost placement, unchanged base first): chr1-45332056-TC-T. GRCh37 (hg19) VCF-style: chr1-45797728-TC-T.
Other names: c.963del (NM_001128425.1); c.963delG (NM_001128425.1, NM_001128425.2); c.879del, p.Ser294fs (NM_001048171.2, NM_001048173.2, NM_001293195.2); c.882del, p.Ser295fs (NM_001048172.2); c.963del, p.Ser322fs (NM_001128425.2); c.924del, p.Ser309fs (NM_001293190.2); c.912del, p.Ser305fs (NM_001293191.2); c.603del, p.Ser202fs (NM_001293192.2, NM_001293196.2); and 2 more; short protein forms S179fs, S202fs, S319fs, S305fs, S295fs, S294fs, S309fs, S322fs.
Identifiers: ClinVar variation 479983 (VCV000479983.15), dbSNP rs776362892, ClinGen allele CA059792.

ClinVar aggregate classification (germline): Pathogenic/Likely pathogenic. Review status: criteria provided, multiple submitters, no conflicts (2 of 4 stars). 5 submissions from 5 submitters: Pathogenic (4); Likely pathogenic (1). Last evaluated 2025-12-21.

Conditions:
Hereditary cancer-predisposing syndrome. Also called: Hereditary neoplastic syndrome; Hereditary Cancer Syndrome; Neoplastic Syndromes, Hereditary; Tumor predisposition. Identifiers: Orphanet 140162, MedGen C0027672, MeSH D009386, MONDO:0015356.
Familial adenomatous polyposis 2. Also called: MYH-associated polyposis; COLORECTAL ADENOMATOUS POLYPOSIS, AUTOSOMAL RECESSIVE; ADENOMAS, MULTIPLE COLORECTAL, AUTOSOMAL RECESSIVE; MUTYH-related attenuated familial adenomatous polyposis; Adenomas, multiple colorectal; FAP type 2. Identifiers: Orphanet 220460, Orphanet 247798, MedGen C3272841, MONDO:0012041, OMIM 608456.

Submissions (5):

Labcorp Genetics (formerly Invitae), Labcorp
Classification: Pathogenic for Familial adenomatous polyposis 2. Last evaluated: 2025-12-21. Review status: criteria provided, single submitter. Criteria: Invitae Variant Classification Sherloc (09022015). Collection method: clinical testing. Allele origin: germline.
Comment: This sequence change creates a premature translational stop signal (p.Ser322Alafs*86) in the MUTYH gene. It is expected to result in an absent or disrupted protein product. Loss-of-function variants in MUTYH are known to be pathogenic (PMID: 18534194, 20663686). This variant is present in population databases (rs776362892, gnomAD 0.02%). This variant has not been reported in the literature in individuals affected with MUTYH-related conditions. ClinVar contains an entry for this variant (Variation ID: 479983). For these reasons, this variant has been classified as Pathogenic.

Color Diagnostics, LLC DBA Color Health
Classification: Pathogenic for Hereditary cancer-predisposing syndrome. Last evaluated: 2024-10-29. Review status: criteria provided, single submitter. Criteria: ACMG Guidelines, 2015. Collection method: clinical testing. Allele origin: germline.
Comment: This variant deletes 1 nucleotide in exon 11 of the MUTYH gene, creating a frameshift and premature translation stop signal. This variant is expected to result in an absent or non-functional protein product. To our knowledge, this variant has not been reported in individuals affected with MUTYH-related disorders in the literature. This variant has been identified in 3/251460 chromosomes in the general population by the Genome Aggregation Database (gnomAD). Loss of MUTYH function is a known mechanism of disease. Based on the available evidence, this variant is classified as Pathogenic.

Women's Health and Genetics/Laboratory Corporation of America, LabCorp
Classification: Pathogenic for Familial adenomatous polyposis 2. Last evaluated: 2024-04-26. Review status: criteria provided, single submitter. Criteria: LabCorp Variant Classification Summary - May 2015. Collection method: clinical testing. Allele origin: germline.
Comment: Variant summary: MUTYH c.963delG (p.Ser322AlafsX86) results in a premature termination codon, predicted to cause a truncation of the encoded protein or absence of the protein due to nonsense mediated decay, which are commonly known mechanisms for disease. The variant allele was found at a frequency of 1.2e-05 in 251460 control chromosomes. c.963delG has been reported in the literature in individuals affected with renal cancer (Hartman_2020). To our knowledge, no experimental evidence demonstrating an impact on protein function has been reported. ClinVar contains an entry for this variant (Variation ID: 479983). Based on the evidence outlined above, the variant was classified as pathogenic.

GeneDx
Classification: Likely pathogenic. Last evaluated: 2023-12-01. Review status: criteria provided, single submitter. Criteria: GeneDx Variant Classification Process June 2021. Collection method: clinical testing. Allele origin: germline. Affected: yes.
Comment: Frameshift variant predicted to result in protein truncation or nonsense mediated decay in a gene for which loss of function is a known mechanism of disease; Not observed at significant frequency in large population cohorts (gnomAD); Observed in an individual with renal cancer (PMID: 32782288); This variant is associated with the following publications: (PMID: 18534194, 32782288, 20663686)

Ambry Genetics
Classification: Pathogenic for Hereditary cancer-predisposing syndrome. Last evaluated: 2023-08-30. Review status: criteria provided, single submitter. Criteria: Ambry Variant Classification Scheme 2023. Collection method: clinical testing. Allele origin: germline.
Comment: The c.963delG pathogenic mutation, located in coding exon 11 of the MUTYH gene, results from a deletion of one nucleotide at nucleotide position 963, causing a translational frameshift with a predicted alternate stop codon (p.S322Afs*86). This alteration is expected to result in loss of function by premature protein truncation or nonsense-mediated mRNA decay. As such, this alteration is interpreted as a disease-causing mutation.

Literature cited by the submitters: PubMed 18534194 (cited by Labcorp Genetics (formerly Invitae), Labcorp); PubMed 20663686 (cited by Labcorp Genetics (formerly Invitae), Labcorp); PubMed 32782288 (cited by Women's Health and Genetics/Laboratory Corporation of America, LabCorp).